The following is an entry in ClinVar:

ClinVar aggregate classification (germline): Uncertain significance (1 of 4 stars; one submission).

Allele frequency attached by ClinVar (database versions not stated): gnomAD exomes below 0.00001; gnomAD 0.00001.
gnomAD v4.1: 2 of 1,605,982 alleles (0.00012%); highest among the groups gnomAD compares: Non-Finnish European, 0.00017%; no homozygotes.

Submission:

GeneDx
Classification: Uncertain significance. Last evaluated: 2023-03-09. Review status: criteria provided, single submitter. Criteria: GeneDx Variant Classification Process June 2021. Collection method: clinical testing. Allele origin: germline. Affected: yes.
Comment: Not observed at significant frequency in large population cohorts (gnomAD); In silico analysis supports that this missense variant has a deleterious effect on protein structure/function; Has not been previously published as pathogenic or benign to our knowledge

NM_020066.5(FMN2):c.4150C>T (p.His1384Tyr)

Genes: FMN2 (formin 2; plus strand), LOC126806069 (CDK7 strongly-dependent group 2 enhancer GRCh37_chr1:240421073-240422272; plus strand). Cytogenetic location: 1q43.
Variant type: single nucleotide variant.
Coding change: c.4150C>T on transcript NM_020066.5 (MANE Select); coding-DNA position 4150, C replaced by T.
Protein change: p.His1384Tyr; replaces histidine 1384 with tyrosine.
Molecular consequence: missense variant.
Genome position (GRCh38, 1-based): chr1:240,258,029, C>T. VCF-style: chr1-240258029-C-T. GRCh37 (hg19) VCF-style: chr1-240421329-C-T.
Other names: c.4162C>T, p.His1388Tyr (NM_001305424.2); c.2071C>T, p.His691Tyr (NM_001348094.2); short protein forms H1384Y, H1388Y, H691Y.
Identifiers: ClinVar variation 2579619 (VCV002579619.1), dbSNP rs1280764855, ClinGen allele CA345655567.